The following is an entry in ClinVar:

NM_000287.4(PEX6):c.2276_2277del (p.Thr759fs)

Gene: PEX6 (peroxisomal biogenesis factor 6; minus strand). Cytogenetic location: 6p21.1.
Variant type: Deletion.
Coding change: c.2276_2277del on transcript NM_000287.4 (MANE Select); coding-DNA positions 2276 to 2277, 2 bases deleted (CT; older notation c.2276_2277delCT).
Protein change: p.Thr759fs; shifts the reading frame from threonine 759.
Molecular consequence: frameshift variant.
Genome position (GRCh38, 1-based): chr6:42,966,265-42,966,266, AG deleted on the plus strand (CT on the coding strand, the reverse complement: PEX6 is on the minus strand). VCF-style (leftmost placement, unchanged base first): chr6-42966264-CAG-C. GRCh37 (hg19) VCF-style: chr6-42934002-CAG-C.
Other names: c.2012_2013del, p.Thr671fs (NM_001316313.2); short protein forms T671fs, T759fs.
Identifiers: ClinVar variation 2812609 (VCV002812609.3), dbSNP rs2481207693, ClinGen allele CA2739273050.

ClinVar aggregate classification (germline): Pathogenic (1 of 4 stars; one submission).

Conditions:
Peroxisome biogenesis disorder. Identifiers: Orphanet 79189, MedGen C1832200, MONDO:0019234. Disease mechanism: loss of function.

Submission:

Labcorp Genetics (formerly Invitae), Labcorp
Classification: Pathogenic for Peroxisome biogenesis disorder. Last evaluated: 2024-01-08. Review status: criteria provided, single submitter. Criteria: Invitae Variant Classification Sherloc (09022015). Collection method: clinical testing. Allele origin: germline.
Comment: This sequence change creates a premature translational stop signal (p.Thr759Argfs*16) in the PEX6 gene. It is expected to result in an absent or disrupted protein product. Loss-of-function variants in PEX6 are known to be pathogenic (PMID: 10408779, 21031596, 31831025). This variant is not present in population databases (gnomAD no frequency). This variant has not been reported in the literature in individuals affected with PEX6-related conditions. For these reasons, this variant has been classified as Pathogenic.

Literature cited by the submitters: PubMed 10408779; PubMed 21031596; PubMed 31831025.